The following is an entry in ClinVar:

NM_022051.3(EGLN1):c.152G>C (p.Trp51Ser)

Gene: EGLN1 (egl-9 family hypoxia inducible factor 1; minus strand). Cytogenetic location: 1q42.2.
Variant type: single nucleotide variant.
Coding change: c.152G>C on transcript NM_022051.3 (MANE Select); coding-DNA position 152, G replaced by C.
Protein change: p.Trp51Ser; replaces tryptophan 51 with serine.
Molecular consequence: missense variant.
Genome position (GRCh38, 1-based): chr1:231,421,737, C>G on the plus strand (G>C on the coding strand, the complement: EGLN1 is on the minus strand). VCF-style: chr1-231421737-C-G. GRCh37 (hg19) VCF-style: chr1-231557483-C-G.
Other names: c.152G>C, p.Trp51Ser (NM_001377260.1, NM_001377261.1); short protein forms W51S.
Identifiers: ClinVar variation 1774597 (VCV001774597.3), dbSNP rs1656625736, ClinGen allele CA345238916.

ClinVar aggregate classification (germline): Uncertain significance (1 of 4 stars; one submission).

Allele frequency attached by ClinVar (database versions not stated): TOPMed below 0.00001.

Submission:

Ambry Genetics
Classification: Uncertain significance. Last evaluated: 2024-09-19. Review status: criteria provided, single submitter. Criteria: Ambry Variant Classification Scheme 2023. Collection method: clinical testing. Allele origin: germline.
Comment: The p.W51S variant (also known as c.152G>C), located in coding exon 1 of the EGLN1 gene, results from a G to C substitution at nucleotide position 152. The tryptophan at codon 51 is replaced by serine, an amino acid with highly dissimilar properties. This amino acid position is conserved. In addition, this alteration is predicted to be deleterious by in silico analysis. Since supporting evidence is limited at this time, the clinical significance of this alteration remains unclear.